The following is an entry in ClinVar:

ClinVar aggregate classification (germline): Uncertain significance (1 of 4 stars; one submission).

Conditions:
Atrial fibrillation, familial, 6 (ATFB6). Identifiers: MedGen C2677294, MONDO:0012816, OMIM 612201.

Allele frequency attached by ClinVar (database versions not stated): gnomAD exomes below 0.00001.

Submission:

Labcorp Genetics (formerly Invitae), Labcorp
Classification: Uncertain significance for Atrial fibrillation, familial, 6. Last evaluated: 2021-08-11. Review status: criteria provided, single submitter. Criteria: Invitae Variant Classification Sherloc (09022015). Collection method: clinical testing. Allele origin: germline.
Comment: In summary, the available evidence is currently insufficient to determine the role of this variant in disease. Therefore, it has been classified as a Variant of Uncertain Significance. Algorithms developed to predict the effect of missense changes on protein structure and function output the following: SIFT: "Deleterious"; PolyPhen-2: "Not Available"; Align-GVGD: "Class C0". The proline amino acid residue is found in multiple mammalian species, which suggests that this missense change does not adversely affect protein function. This variant has not been reported in the literature in individuals affected with NPPA-related conditions. This variant is not present in population databases (ExAC no frequency). This sequence change replaces serine with proline at codon 5 of the NPPA protein (p.Ser5Pro). The serine residue is highly conserved and there is a moderate physicochemical difference between serine and proline.

NM_006172.4(NPPA):c.13T>C (p.Ser5Pro)

Genes: NPPA (natriuretic peptide A; minus strand), LOC114827827 (VISTA enhancer hs2123; plus strand). Cytogenetic location: 1p36.22.
Variant type: single nucleotide variant.
Coding change: c.13T>C on transcript NM_006172.4 (MANE Select); coding-DNA position 13, T replaced by C.
Protein change: p.Ser5Pro; replaces serine 5 with proline.
Molecular consequence: missense variant.
Genome position (GRCh38, 1-based): chr1:11,847,672, A>G on the plus strand (T>C on the coding strand, the complement: NPPA is on the minus strand). VCF-style: chr1-11847672-A-G. GRCh37 (hg19) VCF-style: chr1-11907729-A-G.
Other names: short protein forms S5P.
Identifiers: ClinVar variation 1518425 (VCV001518425.6), dbSNP rs1645079555, ClinGen allele CA338452089.